The following is an entry in ClinVar:

ClinVar aggregate classification (germline): Likely pathogenic (1 of 4 stars; one submission).

Conditions:
Epidermolysis bullosa simplex with nail dystrophy (EBS5D). Identifiers: MedGen C4225309, MONDO:0014661, OMIM 616487.
Epidermolysis bullosa simplex 5C, with pyloric atresia (EBS5C). Also called: PLEC-Related Epidermolysis Bullosa with Pyloric Atresia; Epidermolysis bullosa simplex with pyloric atresia; PLEC1-Related Epidermolysis Bullosa with Pyloric Atresia. Identifiers: Orphanet 158684, MedGen C2677349, MONDO:0012807, OMIM 612138.
Autosomal recessive limb-girdle muscular dystrophy type 2Q (LGMDR17). Also called: MUSCULAR DYSTROPHY, LIMB-GIRDLE, AUTOSOMAL RECESSIVE 17. Identifiers: Orphanet 254361, MedGen C3150989, MONDO:0013390, OMIM 613723.
Epidermolysis bullosa simplex, Ogna type (EBS5A). Also called: Pidermolysis bullosa simplex 5A, Ogna type; EPIDERMOLYSIS BULLOSA SIMPLEX 5A, OGNA TYPE. Identifiers: Orphanet 79401, MedGen C0432317, MONDO:0007555, OMIM 131950.
Epidermolysis bullosa simplex 5B, with muscular dystrophy (EBS5B). Also called: EPIDERMOLYSIS BULLOSA SIMPLEX AND LIMB-GIRDLE MUSCULAR DYSTROPHY; Epidermolysis bullosa simplex with muscular dystrophy. Identifiers: Orphanet 257, MedGen C2931072, MONDO:0009181, OMIM 226670.

Allele frequency attached by ClinVar (database versions not stated): gnomAD exomes below 0.00001.
gnomAD v4.1: 1 of 1,604,138 alleles (0.000062%); highest among the groups gnomAD compares: Non-Finnish European, 0.000085%; no homozygotes.

Submission:

Labcorp Genetics (formerly Invitae), Labcorp
Classification: Likely pathogenic for Autosomal recessive limb-girdle muscular dystrophy type 2Q; Epidermolysis bullosa simplex, Ogna type; Epidermolysis bullosa simplex with nail dystrophy; Epidermolysis bullosa simplex 5C, with pyloric atresia; Epidermolysis bullosa simplex 5B, with muscular dystrophy. Last evaluated: 2023-02-16. Review status: criteria provided, single submitter. Criteria: Invitae Variant Classification Sherloc (09022015). Collection method: clinical testing. Allele origin: germline.
Comment: In summary, the currently available evidence indicates that the variant is pathogenic, but additional data are needed to prove that conclusively. Therefore, this variant has been classified as Likely Pathogenic. Algorithms developed to predict the effect of sequence changes on RNA splicing suggest that this variant may disrupt the consensus splice site. This variant has not been reported in the literature in individuals affected with PLEC-related conditions. This variant is present in population databases (no rsID available, gnomAD no frequency). This sequence change affects a donor splice site in intron 19 of the PLEC gene. It is expected to disrupt RNA splicing. Variants that disrupt the donor or acceptor splice site typically lead to a loss of protein function (PMID: 16199547), and loss-of-function variants in PLEC are known to be pathogenic (PMID: 20301336, 20447487, 21109228, 23289980, 28824526).

Literature cited by the submitters: PubMed 16199547; PubMed 20301336; PubMed 20447487; PubMed 21109228; PubMed 23289980; PubMed 28824526.

NM_201384.3(PLEC):c.2178+2T>G

Gene: PLEC (plectin; minus strand). Cytogenetic location: 8q24.3.
Variant type: single nucleotide variant.
Coding change: c.2178+2T>G on transcript NM_201384.3 (MANE Select); the canonical splice donor site of the intron after coding-DNA position 2178, T replaced by G.
Molecular consequence: splice donor variant.
Genome position (GRCh38, 1-based): chr8:143,931,935, A>C on the plus strand (T>G on the coding strand, the complement: PLEC is on the minus strand). VCF-style: chr8-143931935-A-C. GRCh37 (hg19) VCF-style: chr8-145006103-A-C.
Other names: c.2259+2T>G (NM_001410941.1, NM_000445.5); c.2136+2T>G (NM_201378.4); c.2112+2T>G (NM_201379.3); c.2589+2T>G (NM_201380.4); c.2082+2T>G (NM_201381.3); c.2178+2T>G (NM_201382.4); c.2190+2T>G (NM_201383.3).
Identifiers: ClinVar variation 2936248 (VCV002936248.3), dbSNP rs1554715907, ClinGen allele CA372576668.
Genomic context (GRCh38, chr8:143,931,935, plus strand): 5'-GGTCCAGGGGCTCCTGCAAGGCTGCCGCTGAGCCACAGTGCGGAGGGGGCTCCGGTTCTC[A>C]CCTGAAAGTAGGCAGCGTTCTCCTTCAGGTGTGCCTCGATACAGCAGCACAGCTGTAGCA-3'